The following is an entry in ClinVar:

NM_004752.4(GCM2):c.1366del (p.Ala456fs)

Gene: GCM2 (GCM transcription factor 2; minus strand). Cytogenetic location: 6p24.2.
Variant type: Deletion.
Coding change: c.1366del on transcript NM_004752.4 (MANE Select); coding-DNA position 1366, one base deleted (G; older notation c.1366delG).
Protein change: p.Ala456fs; shifts the reading frame from alanine 456.
Molecular consequence: frameshift variant.
Genome position (GRCh38, 1-based): chr6:10,874,150, C deleted on the plus strand (G on the coding strand, the reverse complement: GCM2 is on the minus strand); the first of 3 consecutive C bases (chr6:10,874,150-10,874,152); deleting any one gives the same sequence. VCF-style (leftmost placement, unchanged base first): chr6-10874149-GC-G. GRCh37 (hg19) VCF-style: chr6-10874382-GC-G.
Other names: short protein forms A456fs.
Identifiers: ClinVar variation 5000062 (VCV005000062.1).
Genomic context (GRCh38, chr6:10,874,149, plus strand): 5'-TCTGCTTCATCTGTCCTAGAGGAAACTGGCTCGTGGGGAATAGCCACAGTGGGTCTGATG[GC>G]CCGGCAATCTCCTGCAATTTTCATAGGAGGTGGCCCTGAAGGAGAGGCTGCCCTGGTGAC-3'

ClinVar aggregate classification (germline): Uncertain significance (1 of 4 stars; one submission).

Conditions:
GCM2-related disorder. Also called: GCM2-related condition.

Submission:

PreventionGenetics, part of Exact Sciences
Classification: Uncertain significance for GCM2-related condition. Last evaluated: 2025-07-15. Review status: criteria provided, single submitter. Criteria: ACMG Guidelines, 2015. Collection method: clinical testing. Allele origin: germline.
Comment: The GCM2 c.1366delG variant is predicted to result in a frameshift and premature protein termination (p.Ala456Profs*75). To our knowledge, this variant has not been reported in the literature or in a large population database (gnomAD), indicating this variant is rare. While frameshift variants in GCM2 are expected to be pathogenic, this variant is located in the terminal exon and is not predicted to cause nonsense mediated decay of the transcript, but rather protein extension. Although we suspect that this variant may be pathogenic, at this time, the clinical significance of this variant is uncertain due to the absence of conclusive functional and genetic evidence.